The following is an entry in ClinVar:

ClinVar aggregate classification (germline): Benign (1 of 4 stars; one submission).

Conditions:
Prostate cancer, hereditary, 9 (HPC9). Identifiers: Orphanet 1331, MedGen C1970250, MONDO:0012597, OMIM 610997.

Submission:

Myriad Genetics, Inc.
Classification: Benign for Prostate cancer, hereditary, 9. Last evaluated: 2024-10-31. Review status: criteria provided, single submitter. Criteria: Myriad Autosomal Dominant, Autosomal Recessive and X-Linked Classification Criteria (2023). Collection method: clinical testing. Allele origin: unknown.
Comment: This variant is considered benign. This variant is a silent/synonymous amino acid change and it is not expected to impact splicing.

NM_006361.6(HOXB13):c.759C>G (p.Thr253=)

Gene: HOXB13 (homeobox B13; minus strand). Cytogenetic location: 17q21.32.
Variant type: single nucleotide variant.
Coding change: c.759C>G on transcript NM_006361.6 (MANE Select); coding-DNA position 759, C replaced by G.
Protein change: p.Thr253=; no amino-acid change (threonine 253 retained).
Molecular consequence: synonymous variant.
Genome position (GRCh38, 1-based): chr17:48,726,886, G>C on the plus strand (C>G on the coding strand, the complement: HOXB13 is on the minus strand). VCF-style: chr17-48726886-G-C. GRCh37 (hg19) VCF-style: chr17-46804248-G-C.
Identifiers: ClinVar variation 3772969 (VCV003772969.1).